The following is an entry in ClinVar:

NM_001042702.5(PJVK):c.588C>G (p.Asp196Glu)

Gene: PJVK (pejvakin; plus strand). Cytogenetic location: 2q31.2.
Variant type: single nucleotide variant.
Coding change: c.588C>G on transcript NM_001042702.5 (MANE Select); coding-DNA position 588, C replaced by G.
Protein change: p.Asp196Glu; replaces aspartic acid 196 with glutamic acid.
Molecular consequence: missense variant.
Genome position (GRCh38, 1-based): chr2:178,458,548, C>G. VCF-style: chr2-178458548-C-G. GRCh37 (hg19) VCF-style: chr2-179323275-C-G.
Other names: c.597C>G, p.Asp199Glu (NM_001353775.2); c.693C>G, p.Asp231Glu (NM_001353776.2); c.111C>G, p.Asp37Glu (NM_001353777.1, NM_001353778.2); c.588C>G, p.Asp196Glu (NM_001369912.1); short protein forms D196E, D199E, D231E, D37E.
Identifiers: ClinVar variation 2576671 (VCV002576671.2), dbSNP rs776107755, ClinGen allele CA1984236.
Genomic context (GRCh38, chr2:178,458,548, plus strand): 5'-GTTATTTATTTATTCAATATAGTTTCACTTTATGGATGAACAGAATCCCAAGGGAAGGGA[C>G]AAAGCTATTGTTTTCCCAGCACATACAACCATAGCTTTCAGTGTTTTTGAACTCTTCATA-3'
Protein context (NP_001036167.1, residues 186-206): FMDEQNPKGR[Asp196Glu]KAIVFPAHTT

ClinVar aggregate classification (germline): Uncertain significance (1 of 4 stars; one submission).

Allele frequency attached by ClinVar (database versions not stated): TOPMed 0.00002; gnomAD 0.00003.
gnomAD v4.1: 16 of 1,613,974 alleles (0.00099%); highest among the groups gnomAD compares: East Asian, 0.033%; no homozygotes.

Submission:

GeneDx
Classification: Uncertain significance. Last evaluated: 2024-12-03. Review status: criteria provided, single submitter. Criteria: GeneDx Variant Classification Process June 2021. Collection method: clinical testing. Allele origin: germline.
Comment: In silico analysis indicates that this missense variant does not alter protein structure/function; Has not been previously published as pathogenic or benign to our knowledge